The following is an entry in ClinVar:

NM_000102.4(CYP17A1):c.138C>T (p.His46=)

Gene: CYP17A1 (cytochrome P450 family 17 subfamily A member 1; minus strand). Cytogenetic location: 10q24.32.
Variant type: single nucleotide variant.
Coding change: c.138C>T on transcript NM_000102.4 (MANE Select); coding-DNA position 138, C replaced by T.
Protein change: p.His46=; no amino-acid change (histidine 46 retained).
Molecular consequence: synonymous variant.
Genome position (GRCh38, 1-based): chr10:102,837,224, G>A on the plus strand (C>T on the coding strand, the complement: CYP17A1 is on the minus strand). VCF-style: chr10-102837224-G-A. GRCh37 (hg19) VCF-style: chr10-104596981-G-A.
Identifiers: ClinVar variation 298625 (VCV000298625.22), dbSNP rs6162, ClinGen allele CA5669641.

ClinVar aggregate classification (germline): Benign. Review status: criteria provided, multiple submitters, no conflicts (2 of 4 stars). 8 submissions from 8 submitters: Benign (7). 1 of the submissions does not count toward it. Last evaluated 2026-02-04.

Conditions:
Deficiency of steroid 17-alpha-monooxygenase. Also called: 17-ALPHA-HYDROXYLASE DEFICIENCY; Congenital adrenal hyperplasia due to 17-alpha-hydroxylase deficiency; Congenital adrenal hyperplasia type 5; 17-alpha-hydroxylase/17,20-lyase deficiency; ADRENAL HYPERPLASIA V. Identifiers: Orphanet 90793, MedGen C0268285, MONDO:0008730, OMIM 202110.

Allele frequency attached by ClinVar (database versions not stated): ESP Exome Variant Server 0.39489; gnomAD 0.40089 and 0.40626; TOPMed 0.40595; gnomAD exomes 0.42336; ExAC 0.42478; 1000 Genomes Project 30x 0.43707; 1000 Genomes Project 0.44249.

Submissions (8):

Labcorp Genetics (formerly Invitae), Labcorp
Classification: Benign. Last evaluated: 2026-02-04. Review status: criteria provided, single submitter. Criteria: Invitae Variant Classification Sherloc (09022015). Collection method: clinical testing. Allele origin: germline.

Blueprint Genetics
Classification: Benign. Last evaluated: 2024-11-27. Review status: criteria provided, single submitter. Criteria: ACMG Guidelines, 2015. Collection method: clinical testing. Allele origin: germline.

Genome-Nilou Lab
Classification: Benign for Deficiency of steroid 17-alpha-monooxygenase. Last evaluated: 2021-07-01. Review status: criteria provided, single submitter. Criteria: ACMG Guidelines, 2015. Collection method: clinical testing. Allele origin: germline. Affected: no.

Illumina Laboratory Services, Illumina
Classification: Benign for Deficiency of steroid 17-alpha-monooxygenase. Last evaluated: 2018-01-13. Review status: criteria provided, single submitter. Criteria: ICSL Variant Classification Criteria 13 December 2019. Collection method: clinical testing. Allele origin: germline.
Comment: This variant was observed in the ICSL laboratory as part of a predisposition screen in an ostensibly healthy population. It had not been previously curated by ICSL or reported in the Human Gene Mutation Database (HGMD: prior to June 1st, 2018), and was therefore a candidate for classification through an automated scoring system. Utilizing variant allele frequency, disease prevalence and penetrance estimates, and inheritance mode, an automated score was calculated to assess if this variant is too frequent to cause the disease. Based on the score and internal cut-off values, a variant classified as benign is not then subjected to further curation. The score for this variant resulted in a classification of benign for this disease.

Athena Diagnostics
Classification: Benign. Last evaluated: 2017-11-02. Review status: criteria provided, single submitter. Criteria: Athena Diagnostics Criteria. Collection method: clinical testing. Allele origin: germline.

GeneDx
Classification: Benign. Last evaluated: 2015-03-03. Review status: criteria provided, single submitter. Criteria: GeneDx Variant Classification Process June 2021. Collection method: clinical testing. Allele origin: germline. Affected: yes.

Breakthrough Genomics
Classification: Benign. Review status: criteria provided, single submitter. Criteria: ACMG Guidelines, 2015. Collection method: not provided. Allele origin: germline. Inheritance: Autosomal recessive inheritance. Affected: yes.

Natera, Inc.
Classification: Benign for Deficiency of steroid 17-alpha-monooxygenase. Last evaluated: 2020-09-16. Review status: no assertion criteria provided. Collection method: clinical testing. Allele origin: germline. Not counted in ClinVar's aggregate classification.